The following is an entry in ClinVar:

ClinVar aggregate classification (germline): Likely benign (0 of 4 stars; one submission).

Conditions:
MYO9B-related disorder. Also called: MYO9B-related condition.

Allele frequency attached by ClinVar (database versions not stated): gnomAD 0.00003; TOPMed 0.00004; gnomAD exomes 0.00005; ExAC 0.00007.
gnomAD v4.1: 68 of 1,613,632 alleles (0.0042%); highest among the groups gnomAD compares: Non-Finnish European, 0.0056%; no homozygotes.

Submission:

PreventionGenetics, part of Exact Sciences
Classification: Likely benign for MYO9B-related condition. Last evaluated: 2019-09-10. Review status: no assertion criteria provided. Collection method: clinical testing. Allele origin: germline.
Comment: This variant is classified as likely benign based on ACMG/AMP sequence variant interpretation guidelines (Richards et al. 2015 PMID: 25741868, with internal and published modifications).

NM_004145.4(MYO9B):c.1287C>T (p.Val429=)

Gene: MYO9B (myosin IXB; plus strand). Cytogenetic location: 19p13.11.
Variant type: single nucleotide variant.
Coding change: c.1287C>T on transcript NM_004145.4 (MANE Select); coding-DNA position 1287, C replaced by T.
Protein change: p.Val429=; no amino-acid change (valine 429 retained).
Molecular consequence: synonymous variant.
Genome position (GRCh38, 1-based): chr19:17,156,996, C>T. VCF-style: chr19-17156996-C-T. GRCh37 (hg19) VCF-style: chr19-17267806-C-T.
Other names: c.1287C>T, p.Val429= (NM_001130065.2).
Identifiers: ClinVar variation 3040764 (VCV003040764.2), dbSNP rs779265644, ClinGen allele CA9287192.
Genomic context (GRCh38, chr19:17,156,996, plus strand): 5'-GTACCTGGGCAACGTCACTTATAAGAAGAGAGCTACAGGCCGAGAGGAAGGGTTGGAGGT[C>T]GGGCCACCCGAGGTGCTGGACACCCTGTCGCAGCTTCTGAAGGTACTGATTGCCACCTCT-3'
Protein context (NP_004136.2, residues 419-439): RATGREEGLE[Val429=]GPPEVLDTLS